The following is an entry in ClinVar:

NM_145290.4(ADGRA3):c.1033T>C (p.Ser345Pro)

Gene: ADGRA3 (adhesion G protein-coupled receptor A3; minus strand). Cytogenetic location: 4p15.2.
Variant type: single nucleotide variant.
Coding change: c.1033T>C on transcript NM_145290.4 (MANE Select); coding-DNA position 1033, T replaced by C.
Protein change: p.Ser345Pro; replaces serine 345 with proline.
Molecular consequence: missense variant.
Genome position (GRCh38, 1-based): chr4:22,438,308, A>G on the plus strand (T>C on the coding strand, the complement: ADGRA3 is on the minus strand). VCF-style: chr4-22438308-A-G. GRCh37 (hg19) VCF-style: chr4-22439931-A-G.
Other names: short protein forms S345P.
Identifiers: ClinVar variation 942094 (VCV000942094.9), dbSNP rs1448310207, ClinGen allele CA356482599.

ClinVar aggregate classification (germline): Uncertain significance (1 of 4 stars; one submission).

Allele frequency attached by ClinVar (database versions not stated): gnomAD 0.00001; gnomAD exomes 0.00001; TOPMed 0.00001.
gnomAD v4.1: 8 of 1,612,406 alleles (0.0005%); highest among the groups gnomAD compares: Non-Finnish European, 0.00068%; no homozygotes.

Submission:

Labcorp Genetics (formerly Invitae), Labcorp
Classification: Uncertain significance. Last evaluated: 2022-10-05. Review status: criteria provided, single submitter. Criteria: Invitae Variant Classification Sherloc (09022015). Collection method: clinical testing. Allele origin: germline.
Comment: This sequence change replaces serine, which is neutral and polar, with proline, which is neutral and non-polar, at codon 345 of the ADGRA3 protein (p.Ser345Pro). This variant is not present in population databases (gnomAD no frequency). Algorithms developed to predict the effect of missense changes on protein structure and function are either unavailable or do not agree on the potential impact of this missense change (SIFT: "Tolerated"; PolyPhen-2: "Probably Damaging"; Align-GVGD: "Class C0"). This variant has not been reported in the literature in individuals affected with ADGRA3-related conditions. ClinVar contains an entry for this variant (Variation ID: 942094). In summary, the available evidence is currently insufficient to determine the role of this variant in disease. Therefore, it has been classified as a Variant of Uncertain Significance.